The following is an entry in ClinVar:

ClinVar aggregate classification (germline): Uncertain significance. Review status: criteria provided, multiple submitters, no conflicts (2 of 4 stars). 2 submissions from 2 submitters: Uncertain significance (2). Last evaluated 2021-02-08.

Conditions:
Cardiovascular phenotype. Identifiers: MedGen CN230736.

Allele frequency attached by ClinVar (database versions not stated): gnomAD 0.00003; TOPMed 0.00003; ESP Exome Variant Server 0.00008.
gnomAD v4.1: 17 of 1,613,046 alleles (0.0011%); highest among the groups gnomAD compares: African/African-American, 0.0027%; no homozygotes.

Submissions (2):

Athena Diagnostics
Classification: Uncertain significance. Last evaluated: 2021-02-08. Review status: criteria provided, single submitter. Criteria: Athena Diagnostics criteria. Collection method: clinical testing. Allele origin: unknown.

Ambry Genetics
Classification: Uncertain significance for Cardiovascular phenotype. Last evaluated: 2020-08-10. Review status: criteria provided, single submitter. Criteria: Ambry Variant Classification Scheme 2023. Collection method: clinical testing. Allele origin: germline.
Comment: The p.R10046Q variant (also known as c.30137G>A), located in coding exon 121 of the TTN gene, results from a G to A substitution at nucleotide position 30137. The arginine at codon 10046 is replaced by glutamine, an amino acid with highly similar properties. This amino acid position is highly conserved in available vertebrate species. In addition, this alteration is predicted to be tolerated by in silico analysis. Since supporting evidence is limited at this time, the clinical significance of this alteration remains unclear.

NM_001267550.2(TTN):c.57332G>A (p.Arg19111Gln)

Genes: TTN (titin; minus strand), TTN-AS1 (TTN antisense RNA 1; plus strand). Cytogenetic location: 2q31.2.
Variant type: single nucleotide variant.
Coding change: c.57332G>A on transcript NM_001267550.2 (MANE Select); coding-DNA position 57332, G replaced by A.
Protein change: p.Arg19111Gln; replaces arginine 19111 with glutamine.
Molecular consequence: missense variant.
Genome position (GRCh38, 1-based): chr2:178,597,750, C>T on the plus strand (G>A on the coding strand, the complement: TTN is on the minus strand). VCF-style: chr2-178597750-C-T. GRCh37 (hg19) VCF-style: chr2-179462477-C-T.
Other names: c.52409G>A, p.Arg17470Gln (NM_001256850.1); c.30137G>A, p.Arg10046Gln (NM_003319.4); c.49628G>A, p.Arg16543Gln (NM_133378.4); c.30512G>A, p.Arg10171Gln (NM_133432.3); c.30713G>A, p.Arg10238Gln (NM_133437.4); short protein forms R10046Q, R10171Q, R10238Q, R16543Q, R17470Q, R19111Q.
Identifiers: ClinVar variation 1256062 (VCV001256062.3), dbSNP rs375808207, ClinGen allele CA1993062.
Genomic context (GRCh38, chr2:178,597,750, plus strand): 5'-CTTTCATTCATGTTCCAGGTGACGGTTGGAGGAGGCTTTCCAGACACATAGGCAATGATT[C>T]GGATCACCCCTCCAGCATGGACAACAATTCTATCTCTGACACTGGCATCTAGCTGAAGGT-3'
Protein context (NP_001254479.2, residues 19101-19121): RIVVHAGGVI[Arg19111Gln]IIAYVSGKPP